The following is an entry in ClinVar:

ClinVar aggregate classification (germline): Uncertain significance (1 of 4 stars; one submission).

Submission:

Labcorp Genetics (formerly Invitae), Labcorp
Classification: Uncertain significance. Last evaluated: 2022-04-20. Review status: criteria provided, single submitter. Criteria: Invitae Variant Classification Sherloc (09022015). Collection method: clinical testing. Allele origin: germline.
Comment: In summary, the available evidence is currently insufficient to determine the role of this variant in disease. Therefore, it has been classified as a Variant of Uncertain Significance. Algorithms developed to predict the effect of missense changes on protein structure and function output the following: SIFT: "Tolerated"; PolyPhen-2: "Benign"; Align-GVGD: "Class C0". The threonine amino acid residue is found in multiple mammalian species, which suggests that this missense change does not adversely affect protein function. This variant has not been reported in the literature in individuals affected with KIF20A-related conditions. This variant is not present in population databases (gnomAD no frequency). This sequence change replaces methionine, which is neutral and non-polar, with threonine, which is neutral and polar, at codon 621 of the KIF20A protein (p.Met621Thr).

NM_005733.3(KIF20A):c.1862T>C (p.Met621Thr)

Gene: KIF20A (kinesin family member 20A; plus strand). Cytogenetic location: 5q31.2.
Variant type: single nucleotide variant.
Coding change: c.1862T>C on transcript NM_005733.3 (MANE Select); coding-DNA position 1862, T replaced by C.
Protein change: p.Met621Thr; replaces methionine 621 with threonine.
Molecular consequence: missense variant.
Genome position (GRCh38, 1-based): chr5:138,185,133, T>C. VCF-style: chr5-138185133-T-C. GRCh37 (hg19) VCF-style: chr5-137520822-T-C.
Other names: short protein forms M621T.
Identifiers: ClinVar variation 2128330 (VCV002128330.4), dbSNP rs2482187715, ClinGen allele CA361117433.